The following is an entry in ClinVar:

ClinVar aggregate classification (germline): Uncertain significance (1 of 4 stars; one submission).

Conditions:
Cohen syndrome (COH1). Also called: PEPPER SYNDROME; Cutis verticis gyrata, retinitis pigmentosa, and sensorineural deafness. Identifiers: Orphanet 193, MedGen C0265223, MONDO:0008999, OMIM 216550.

Allele frequency attached by ClinVar (database versions not stated): gnomAD exomes below 0.00001; TOPMed below 0.00001; gnomAD 0.00001.
gnomAD v4.1: 4 of 1,613,818 alleles (0.00025%); highest among the groups gnomAD compares: Admixed American, 0.0033%; no homozygotes.

Submission:

Labcorp Genetics (formerly Invitae), Labcorp
Classification: Uncertain significance for Cohen syndrome. Last evaluated: 2022-08-09. Review status: criteria provided, single submitter. Criteria: Invitae Variant Classification Sherloc (09022015). Collection method: clinical testing. Allele origin: germline.
Comment: This sequence change replaces proline with serine at codon 2363 of the VPS13B protein (p.Pro2363Ser). The proline residue is moderately conserved and there is a moderate physicochemical difference between proline and serine. This variant is not present in population databases (gnomAD no frequency). This variant has not been reported in the literature in individuals affected with VPS13B-related conditions. ClinVar contains an entry for this variant (Variation ID: 1513186). Algorithms developed to predict the effect of missense changes on protein structure and function are either unavailable or do not agree on the potential impact of this missense change (SIFT: "Not Available"; PolyPhen-2: "Possibly Damaging"; Align-GVGD: "Not Available"). In summary, the available evidence is currently insufficient to determine the role of this variant in disease. Therefore, it has been classified as a Variant of Uncertain Significance.

NM_152564.5(VPS13B):c.7012C>T (p.Pro2338Ser)

Gene: VPS13B (vacuolar protein sorting 13 homolog B; plus strand). Cytogenetic location: 8q22.2.
Variant type: single nucleotide variant.
Coding change: c.7012C>T on transcript NM_152564.5 (MANE Select); coding-DNA position 7012, C replaced by T.
Protein change: p.Pro2338Ser; replaces proline 2338 with serine.
Molecular consequence: missense variant.
Genome position (GRCh38, 1-based): chr8:99,721,009, C>T. VCF-style: chr8-99721009-C-T. GRCh37 (hg19) VCF-style: chr8-100733237-C-T.
Other names: c.7087C>T, p.Pro2363Ser (NM_017890.5); short protein forms P2338S, P2363S.
Identifiers: ClinVar variation 1513186 (VCV001513186.5), dbSNP rs1833108064, ClinGen allele CA371868617.
Genomic context (GRCh38, chr8:99,721,009, plus strand): 5'-GAACCTAGAGTACTCACCCTTGTACGAATAACTCCTGTACCTTTTAACACCACAGAGGAT[C>T]CAGATATTAGCACAGCAGACCTTGGTGATGTGCTACAGGTATGTAATGACCATTCATTGT-3'
Protein context (NP_689777.3, residues 2328-2348): TPVPFNTTED[Pro2338Ser]DISTADLGDV